The following is an entry in ClinVar:

NM_020944.3(GBA2):c.1767C>T (p.Asn589=)

Gene: GBA2 (glucosylceramidase beta 2; minus strand). Cytogenetic location: 9p13.3.
Variant type: single nucleotide variant.
Coding change: c.1767C>T on transcript NM_020944.3 (MANE Select); coding-DNA position 1767, C replaced by T.
Protein change: p.Asn589=; no amino-acid change (asparagine 589 retained).
Molecular consequence: synonymous variant.
Genome position (GRCh38, 1-based): chr9:35,739,030, G>A on the plus strand (C>T on the coding strand, the complement: GBA2 is on the minus strand). VCF-style: chr9-35739030-G-A. GRCh37 (hg19) VCF-style: chr9-35739027-G-A.
Other names: c.1767C>T, p.Asn589= (NM_001330660.2).
Identifiers: ClinVar variation 416643 (VCV000416643.17), dbSNP rs551404840, ClinGen allele CA5050292.

ClinVar aggregate classification (germline): Likely benign. Review status: criteria provided, multiple submitters, no conflicts (2 of 4 stars). 2 submissions from 2 submitters: Likely benign (2). Last evaluated 2026-01-28.

Conditions:
Spastic paraplegia. Identifiers: MedGen C0037772, HP:0001258.

Allele frequency attached by ClinVar (database versions not stated): 1000 Genomes Project below 0.00001; gnomAD 0.00003 and 0.00004; gnomAD exomes 0.00004 and 0.00007; TOPMed 0.00004; ExAC 0.00006.
gnomAD v4.1: 61 of 1,613,326 alleles (0.0038%); highest among the groups gnomAD compares: Admixed American, 0.0033%; no homozygotes.

Submissions (2):

Labcorp Genetics (formerly Invitae), Labcorp
Classification: Likely benign for Spastic paraplegia. Last evaluated: 2026-01-28. Review status: criteria provided, single submitter. Criteria: Invitae Variant Classification Sherloc (09022015). Collection method: clinical testing. Allele origin: germline.

CeGaT Center for Human Genetics Tuebingen
Classification: Likely benign. Last evaluated: 2025-08-01. Review status: criteria provided, single submitter. Criteria: CeGaT Center For Human Genetics Tuebingen Variant Classification Criteria Version 2. Collection method: clinical testing. Allele origin: germline. Affected: yes. Observed: 1 variant allele.
Comment: GBA2: BP4, BP7